The following is an entry in ClinVar:

ClinVar aggregate classification (germline): Benign. Review status: criteria provided, single submitter (1 of 4 stars). 2 submissions from 2 submitters: Benign (1). 1 of the submissions does not count toward it. Last evaluated 2013-02-14.

Conditions:
DNAJC19-related disorder. Also called: DNAJC19-related condition.

Allele frequency attached by ClinVar (database versions not stated): ESP Exome Variant Server 0.00116; TOPMed 0.00146; ExAC 0.00240; 1000 Genomes Project 30x 0.00062; gnomAD 0.00089; 1000 Genomes Project 0.00040.
gnomAD v4.1: 3,815 of 1,584,672 alleles (0.24%); highest among the groups gnomAD compares: Non-Finnish European, 0.31%; 9 homozygotes.

Submissions (2):

GeneDx
Classification: Benign. Last evaluated: 2013-02-14. Review status: criteria provided, single submitter. Criteria: GeneDx Variant Classification (06012015). Collection method: clinical testing. Allele origin: germline. Affected: yes.
Comment: This variant is considered likely benign or benign based on one or more of the following criteria: it is a conservative change, it occurs at a poorly conserved position in the protein, it is predicted to be benign by multiple in silico algorithms, and/or has population frequency not consistent with disease.

PreventionGenetics, part of Exact Sciences
Classification: Likely benign for DNAJC19-related condition. Last evaluated: 2023-02-27. Review status: no assertion criteria provided. Collection method: clinical testing. Allele origin: germline. Not counted in ClinVar's aggregate classification.
Comment: This variant is classified as likely benign based on ACMG/AMP sequence variant interpretation guidelines (Richards et al. 2015 PMID: 25741868, with internal and published modifications).

NM_145261.4(DNAJC19):c.-29G>T

Gene: DNAJC19 (DnaJ heat shock protein family (Hsp40) member C19; minus strand). Cytogenetic location: 3q26.33.
Variant type: single nucleotide variant.
Coding change: c.-29G>T on transcript NM_145261.4 (MANE Select); 29 bases upstream of the start codon, G replaced by T.
Molecular consequence: 5 prime UTR variant. On other transcripts: non-coding transcript variant (4).
Genome position (GRCh38, 1-based): chr3:180,989,631, C>A on the plus strand (G>T on the coding strand, the complement: DNAJC19 is on the minus strand). VCF-style: chr3-180989631-C-A. GRCh37 (hg19) VCF-style: chr3-180707419-C-A.
Other names: c.-372G>T (NM_001190233.2).
Identifiers: ClinVar variation 137122 (VCV000137122.3), dbSNP rs181271620, ClinGen allele CA024885.